The following is an entry in ClinVar:

NM_015047.3(EMC1):c.1370T>C (p.Met457Thr)

Genes: EMC1 (ER membrane protein complex subunit 1; minus strand), EMC1-AS1 (EMC1 antisense RNA 1; plus strand). Cytogenetic location: 1p36.13.
Variant type: single nucleotide variant.
Coding change: c.1370T>C on transcript NM_015047.3 (MANE Select); coding-DNA position 1370, T replaced by C.
Protein change: p.Met457Thr; replaces methionine 457 with threonine.
Molecular consequence: missense variant.
Genome position (GRCh38, 1-based): chr1:19,235,192, A>G on the plus strand (T>C on the coding strand, the complement: EMC1 is on the minus strand). VCF-style: chr1-19235192-A-G. GRCh37 (hg19) VCF-style: chr1-19561686-A-G.
Other names: c.1367T>C, p.Met456Thr (NM_001271427.2, NM_001271428.2, NM_001375821.1); c.1304T>C, p.Met435Thr (NM_001271429.2); c.1370T>C, p.Met457Thr (NM_001375820.1); short protein forms M457T, M435T, M456T.
Identifiers: ClinVar variation 1904658 (VCV001904658.2), dbSNP rs2093553560, ClinGen allele CA338764106.

ClinVar aggregate classification (germline): Uncertain significance (1 of 4 stars; one submission).

Allele frequency attached by ClinVar (database versions not stated): TOPMed below 0.00001.

Submission:

Labcorp Genetics (formerly Invitae), Labcorp
Classification: Uncertain significance. Last evaluated: 2022-05-21. Review status: criteria provided, single submitter. Criteria: Invitae Variant Classification Sherloc (09022015). Collection method: clinical testing. Allele origin: germline.
Comment: This sequence change replaces methionine, which is neutral and non-polar, with threonine, which is neutral and polar, at codon 457 of the EMC1 protein (p.Met457Thr). This variant is not present in population databases (gnomAD no frequency). This variant has not been reported in the literature in individuals affected with EMC1-related conditions. Algorithms developed to predict the effect of missense changes on protein structure and function are either unavailable or do not agree on the potential impact of this missense change (SIFT: "Deleterious"; PolyPhen-2: "Benign"; Align-GVGD: "Class C25"). In summary, the available evidence is currently insufficient to determine the role of this variant in disease. Therefore, it has been classified as a Variant of Uncertain Significance.